The following is an entry in ClinVar:

NM_194277.3(FRMD7):c.809C>T (p.Thr270Ile)

Gene: FRMD7 (FERM domain containing 7; minus strand). Cytogenetic location: Xq26.2.
Variant type: single nucleotide variant.
Coding change: c.809C>T on transcript NM_194277.3 (MANE Select); coding-DNA position 809, C replaced by T.
Protein change: p.Thr270Ile; replaces threonine 270 with isoleucine.
Molecular consequence: missense variant.
Genome position (GRCh38, 1-based): chrX:132,082,459, G>A on the plus strand (C>T on the coding strand, the complement: FRMD7 is on the minus strand). VCF-style: chrX-132082459-G-A. GRCh37 (hg19) VCF-style: chrX-131216487-G-A.
Other names: c.764C>T, p.Thr255Ile (NM_001306193.2); short protein forms T270I, T255I.
Identifiers: ClinVar variation 3675777 (VCV003675777.2).

ClinVar aggregate classification (germline): Uncertain significance (1 of 4 stars; one submission).

gnomAD v4.1: 1 of 1,209,968 alleles (0.000083%); highest among the groups gnomAD compares: Non-Finnish European, 0.00011%; no homozygotes.

Submission:

Labcorp Genetics (formerly Invitae), Labcorp
Classification: Uncertain significance. Last evaluated: 2024-02-16. Review status: criteria provided, single submitter. Criteria: Invitae Variant Classification Sherloc (09022015). Collection method: clinical testing. Allele origin: germline.
Comment: This sequence change replaces threonine, which is neutral and polar, with isoleucine, which is neutral and non-polar, at codon 270 of the FRMD7 protein (p.Thr270Ile). This variant is not present in population databases (gnomAD no frequency). This variant has not been reported in the literature in individuals affected with FRMD7-related conditions. An algorithm developed to predict the effect of missense changes on protein structure and function (PolyPhen-2) suggests that this variant is likely to be disruptive. In summary, the available evidence is currently insufficient to determine the role of this variant in disease. Therefore, it has been classified as a Variant of Uncertain Significance.